The following is an entry in ClinVar:

ClinVar aggregate classification (germline): Uncertain significance (1 of 4 stars; one submission).

Allele frequency attached by ClinVar (database versions not stated): ExAC 0.00001; gnomAD exomes 0.00001.
gnomAD v4.1: 10 of 1,613,944 alleles (0.00062%); highest among the groups gnomAD compares: Non-Finnish European, 0.00085%; no homozygotes.

Submission:

Labcorp Genetics (formerly Invitae), Labcorp
Classification: Uncertain significance. Last evaluated: 2022-06-15. Review status: criteria provided, single submitter. Criteria: Invitae Variant Classification Sherloc (09022015). Collection method: clinical testing. Allele origin: germline.
Comment: This variant is present in population databases (rs748778822, gnomAD 0.0009%). This variant has not been reported in the literature in individuals affected with COL9A1-related conditions. Algorithms developed to predict the effect of sequence changes on RNA splicing suggest that this variant may disrupt the consensus splice site. In summary, the available evidence is currently insufficient to determine the role of this variant in disease. Therefore, it has been classified as a Variant of Uncertain Significance. This sequence change affects codon 421 of the COL9A1 mRNA. It is a 'silent' change, meaning that it does not change the encoded amino acid sequence of the COL9A1 protein.

NM_001851.6(COL9A1):c.1263A>T (p.Gly421=)

Gene: COL9A1 (collagen type IX alpha 1 chain; minus strand). Cytogenetic location: 6q13.
Variant type: single nucleotide variant.
Coding change: c.1263A>T on transcript NM_001851.6 (MANE Select); coding-DNA position 1263, A replaced by T.
Protein change: p.Gly421=; no amino-acid change (glycine 421 retained).
Molecular consequence: synonymous variant. On other transcripts: non-coding transcript variant (1).
Genome position (GRCh38, 1-based): chr6:70,268,828, T>A on the plus strand (A>T on the coding strand, the complement: COL9A1 is on the minus strand). VCF-style: chr6-70268828-T-A. GRCh37 (hg19) VCF-style: chr6-70978531-T-A.
Other names: c.534A>T, p.Gly178= (NM_001377289.1, NM_001377290.1, NM_078485.4).
Identifiers: ClinVar variation 2007267 (VCV002007267.4), dbSNP rs748778822, ClinGen allele CA3882312.